The following is an entry in ClinVar:

NM_000520.6(HEXA):c.53G>A (p.Gly18Glu)

Gene: HEXA (hexosaminidase subunit alpha; minus strand). Cytogenetic location: 15q23.
Variant type: single nucleotide variant.
Coding change: c.53G>A on transcript NM_000520.6 (MANE Select); coding-DNA position 53, G replaced by A.
Protein change: p.Gly18Glu; replaces glycine 18 with glutamic acid.
Molecular consequence: missense variant. On other transcripts: non-coding transcript variant (1).
Genome position (GRCh38, 1-based): chr15:72,375,920, C>T on the plus strand (G>A on the coding strand, the complement: HEXA is on the minus strand). VCF-style: chr15-72375920-C-T. GRCh37 (hg19) VCF-style: chr15-72668261-C-T.
Other names: c.53G>A, p.Gly18Glu (NM_001318825.2); short protein forms G18E.
Identifiers: ClinVar variation 554863 (VCV000554863.4), dbSNP rs371133961, ClinGen allele CA7645123.

ClinVar aggregate classification (germline): Uncertain significance. Review status: criteria provided, single submitter (1 of 4 stars). 2 submissions from 2 submitters: Uncertain significance (1). 1 of the submissions does not count toward it. Last evaluated 2022-08-23.

Conditions:
Tay-Sachs disease (TSD). Also called: HEXA Disorders; HEXA DEFICIENCY; Hexosaminidase A Deficiency; GM2 gangliosidosis, type 1; Hexosaminidase alpha-subunit deficiency (variant B); Sphingolipidosis, Tay-Sachs. Identifiers: Orphanet 845, MedGen C0039373, MONDO:0010100, OMIM 272800.

Allele frequency attached by ClinVar (database versions not stated): gnomAD 0.00004 and 0.00005; TOPMed 0.00004; gnomAD exomes 0.00005; ExAC 0.00006; ESP Exome Variant Server 0.00008.
gnomAD v4.1: 45 of 1,614,046 alleles (0.0028%); highest among the groups gnomAD compares: South Asian, 0.033%; 1 homozygote.

Submissions (2):

Labcorp Genetics (formerly Invitae), Labcorp
Classification: Uncertain significance for Tay-Sachs disease. Last evaluated: 2022-08-23. Review status: criteria provided, single submitter. Criteria: Invitae Variant Classification Sherloc (09022015). Collection method: clinical testing. Allele origin: germline.
Comment: This sequence change replaces glycine, which is neutral and non-polar, with glutamic acid, which is acidic and polar, at codon 18 of the HEXA protein (p.Gly18Glu). This variant is present in population databases (rs371133961, gnomAD 0.03%). This variant has not been reported in the literature in individuals affected with HEXA-related conditions. ClinVar contains an entry for this variant (Variation ID: 554863). Algorithms developed to predict the effect of missense changes on protein structure and function are either unavailable or do not agree on the potential impact of this missense change (SIFT: "Tolerated"; PolyPhen-2: "Not Available"; Align-GVGD: "Class C0"). In summary, the available evidence is currently insufficient to determine the role of this variant in disease. Therefore, it has been classified as a Variant of Uncertain Significance.

Counsyl
Classification: Uncertain significance for Tay-Sachs disease. Last evaluated: 2017-11-16. Review status: no assertion criteria provided. Collection method: clinical testing. Allele origin: unknown. Not counted in ClinVar's aggregate classification.